The following is an entry in ClinVar:

NM_002519.3(NPAT):c.748C>T (p.Arg250Ter)

Gene: NPAT (nuclear protein, coactivator of histone transcription; minus strand). Cytogenetic location: 11q22.3.
Variant type: single nucleotide variant.
Coding change: c.748C>T on transcript NM_002519.3 (MANE Select); coding-DNA position 748, C replaced by T.
Protein change: p.Arg250Ter; replaces arginine 250 with a stop codon.
Molecular consequence: nonsense.
Genome position (GRCh38, 1-based): chr11:108,185,473, G>A on the plus strand (C>T on the coding strand, the complement: NPAT is on the minus strand). VCF-style: chr11-108185473-G-A. GRCh37 (hg19) VCF-style: chr11-108056200-G-A.
Other names: c.748C>T, p.Arg250Ter (NM_001321307.1); short protein forms R250*.
Identifiers: ClinVar variation 2056247 (VCV002056247.4), dbSNP rs766575709, ClinGen allele CA6264193.

ClinVar aggregate classification (germline): Uncertain significance (1 of 4 stars; one submission).

Allele frequency attached by ClinVar (database versions not stated): gnomAD exomes below 0.00001; ExAC 0.00001; gnomAD 0.00001; TOPMed 0.00001.

Submission:

Labcorp Genetics (formerly Invitae), Labcorp
Classification: Uncertain significance. Last evaluated: 2024-12-12. Review status: criteria provided, single submitter. Criteria: Invitae Variant Classification Sherloc (09022015). Collection method: clinical testing. Allele origin: germline.
Comment: This sequence change creates a premature translational stop signal (p.Arg250*) in the NPAT gene. It is expected to result in an absent or disrupted protein product. However, the current clinical and genetic evidence is not sufficient to establish whether loss-of-function variants in NPAT cause disease. This variant is present in population databases (rs766575709, gnomAD 0.0009%). This variant has not been reported in the literature in individuals affected with NPAT-related conditions. ClinVar contains an entry for this variant (Variation ID: 2056247). In summary, the available evidence is currently insufficient to determine the role of this variant in disease. Therefore, it has been classified as a Variant of Uncertain Significance.